The following is an entry in ClinVar:

NM_006073.4(TRDN):c.1043A>G (p.Glu348Gly)

Gene: TRDN (triadin; minus strand). Cytogenetic location: 6q22.31.
Variant type: single nucleotide variant.
Coding change: c.1043A>G on transcript NM_006073.4 (MANE Select); coding-DNA position 1043, A replaced by G.
Protein change: p.Glu348Gly; replaces glutamic acid 348 with glycine.
Molecular consequence: missense variant.
Genome position (GRCh38, 1-based): chr6:123,438,071, T>C on the plus strand (A>G on the coding strand, the complement: TRDN is on the minus strand). VCF-style: chr6-123438071-T-C. GRCh37 (hg19) VCF-style: chr6-123759216-T-C.
Other names: c.1046A>G, p.Glu349Gly (NM_001251987.2); c.1043A>G (NM_006073.2); short protein forms E348G, E349G.
Identifiers: ClinVar variation 940641 (VCV000940641.10), dbSNP rs755708624, ClinGen allele CA3984171.

ClinVar aggregate classification (germline): Uncertain significance. Review status: criteria provided, multiple submitters, no conflicts (2 of 4 stars). 2 submissions from 2 submitters: Uncertain significance (2). Last evaluated 2025-02-21.

Conditions:
Cardiovascular phenotype. Identifiers: MedGen CN230736.
Catecholaminergic polymorphic ventricular tachycardia 1. Also called: RYR2-Related Catecholaminergic Polymorphic Ventricular Tachycardia; VENTRICULAR TACHYCARDIA, CATECHOLAMINERGIC POLYMORPHIC, 1, WITH OR WITHOUT ATRIAL DYSFUNCTION AND/OR DILATED CARDIOMYOPATHY; VENTRICULAR TACHYCARDIA, STRESS-INDUCED POLYMORPHIC 1. Identifiers: Orphanet 3286, MedGen C1631597, MONDO:0011484, OMIM 604772.

Allele frequency attached by ClinVar (database versions not stated): gnomAD exomes below 0.00001 and 0.00001; ExAC 0.00001; gnomAD 0.00001 and 0.00002; TOPMed 0.00002.
gnomAD v4.1: 13 of 1,596,724 alleles (0.00081%); highest among the groups gnomAD compares: Middle Eastern, 0.033%; no homozygotes.

Submissions (2):

Ambry Genetics
Classification: Uncertain significance for Cardiovascular phenotype. Last evaluated: 2025-02-21. Review status: criteria provided, single submitter. Criteria: Ambry Variant Classification Scheme 2023. Collection method: clinical testing. Allele origin: germline.

Labcorp Genetics (formerly Invitae), Labcorp
Classification: Uncertain significance for Catecholaminergic polymorphic ventricular tachycardia 1. Last evaluated: 2024-10-15. Review status: criteria provided, single submitter. Criteria: Invitae Variant Classification Sherloc (09022015). Collection method: clinical testing. Allele origin: germline.
Comment: This sequence change replaces glutamic acid, which is acidic and polar, with glycine, which is neutral and non-polar, at codon 348 of the TRDN protein (p.Glu348Gly). The frequency data for this variant in the population databases is considered unreliable, as metrics indicate poor data quality at this position in the gnomAD database. This variant has not been reported in the literature in individuals affected with TRDN-related conditions. ClinVar contains an entry for this variant (Variation ID: 940641). Invitae Evidence Modeling of protein sequence and biophysical properties (such as structural, functional, and spatial information, amino acid conservation, physicochemical variation, residue mobility, and thermodynamic stability) indicates that this missense variant is not expected to disrupt TRDN protein function with a negative predictive value of 80%. In summary, the available evidence is currently insufficient to determine the role of this variant in disease. Therefore, it has been classified as a Variant of Uncertain Significance.